The following is an entry in ClinVar:

ClinVar aggregate classification (germline): Conflicting classifications of pathogenicity. Review status: criteria provided, conflicting classifications (1 of 4 stars). 3 submissions from 3 submitters: Uncertain significance (2); Benign (1). Last evaluated 2025-12-07.

Conditions:
Hereditary cancer-predisposing syndrome. Also called: Neoplastic Syndromes, Hereditary; Hereditary neoplastic syndrome; Tumor predisposition; Hereditary Cancer Syndrome. Identifiers: Orphanet 140162, MedGen C0027672, MeSH D009386, MONDO:0015356.
Juvenile polyposis syndrome (JPS). Identifiers: Orphanet 2929, MedGen C0345893, MONDO:0017380, OMIM 174900.

gnomAD v4.1: 4 of 1,613,926 alleles (0.00025%); highest among the groups gnomAD compares: Non-Finnish European, 0.00034%; no homozygotes.

Submissions (3):

Labcorp Genetics (formerly Invitae), Labcorp
Classification: Uncertain significance for Juvenile polyposis syndrome. Last evaluated: 2025-12-07. Review status: criteria provided, single submitter. Criteria: Invitae Variant Classification Sherloc (09022015). Collection method: clinical testing. Allele origin: germline.
Comment: This sequence change replaces glycine, which is neutral and non-polar, with serine, which is neutral and polar, at codon 300 of the BMPR1A protein (p.Gly300Ser). This variant is present in population databases (rs763040797, gnomAD 0.004%). This variant has not been reported in the literature in individuals affected with BMPR1A-related conditions. ClinVar contains an entry for this variant (Variation ID: 3261221). Invitae Evidence Modeling of protein sequence and biophysical properties (such as structural, functional, and spatial information, amino acid conservation, physicochemical variation, residue mobility, and thermodynamic stability) has been performed for this missense variant. However, the output from this modeling did not meet the statistical confidence thresholds required to predict the impact of this variant on BMPR1A protein function. In summary, the available evidence is currently insufficient to determine the role of this variant in disease. Therefore, it has been classified as a Variant of Uncertain Significance.

All of Us Research Program, National Institutes of Health
Classification: Uncertain significance for Juvenile polyposis syndrome. Last evaluated: 2024-06-17. Review status: criteria provided, single submitter. Criteria: ACMG Guidelines, 2015. Collection method: clinical testing. Allele origin: germline. Inheritance: Autosomal dominant inheritance. Observed: 1 variant allele, 1 heterozygote.
Comment: This missense variant replaces glycine with serine at codon 300 of the BMPR1A protein. Computational prediction is inconclusive regarding the impact of this variant on protein structure and function (internally defined REVEL score threshold 0.5 < inconclusive < 0.7, PMID: 27666373). To our knowledge, functional studies have not been reported for this variant. This variant has not been reported in individuals affected with BMPR1A-related disorders in the literature. This variant has been identified in 4/250952 chromosomes in the general population by the Genome Aggregation Database (gnomAD). The available evidence is insufficient to determine the role of this variant in disease conclusively. Therefore, this variant is classified as a Variant of Uncertain Significance.

This study involves interpretation of variants in research participants for the purpose of population health screening. Participant phenotype was not available at the time of variant classification. Additional details can be found in publication PMID: 35346344, PMCID: PMC8962531

Ambry Genetics
Classification: Benign for Hereditary cancer-predisposing syndrome. Last evaluated: 2024-05-23. Review status: criteria provided, single submitter. Criteria: Ambry Variant Classification Scheme 2023. Collection method: clinical testing. Allele origin: germline.

NM_004329.3(BMPR1A):c.898G>A (p.Gly300Ser)

Gene: BMPR1A (bone morphogenetic protein receptor type 1A; plus strand). Cytogenetic location: 10q23.2.
Variant type: single nucleotide variant.
Coding change: c.898G>A on transcript NM_004329.3 (MANE Select); coding-DNA position 898, G replaced by A.
Protein change: p.Gly300Ser; replaces glycine 300 with serine.
Molecular consequence: missense variant. On other transcripts: non-coding transcript variant (3).
Genome position (GRCh38, 1-based): chr10:86,919,201, G>A. VCF-style: chr10-86919201-G-A. GRCh37 (hg19) VCF-style: chr10-88678958-G-A.
Other names: c.898G>A, p.Gly300Ser (NM_001406573.1, NM_001406574.1, NM_001406575.1 and 19 more transcripts); c.973G>A, p.Gly325Ser (NM_001406559.1); c.946G>A, p.Gly316Ser (NM_001406560.1); c.892G>A, p.Gly298Ser (NM_001406583.1); c.814G>A, p.Gly272Ser (NM_001406584.1, NM_001406585.1, NM_001406586.1 and 2 more transcripts); c.556G>A, p.Gly186Ser (NM_001406589.1); short protein forms G300S, G325S, G186S, G272S, G298S, G316S.
Identifiers: ClinVar variation 3261221 (VCV003261221.3).
Genomic context (GRCh38, chr10:86,919,201, plus strand): 5'-AACTAACCTTTTAAACTCATCAACTGGACAGGTTTCATAGCGGCAGACATTAAAGGTACA[G>A]GTTCCTGGACTCAGCTCTATTTGATTACTGATTACCATGAAAATGGATCTCTCTATGACT-3'
Protein context (NP_004320.2, residues 290-310): GFIAADIKGT[Gly300Ser]SWTQLYLITD